The following is an entry in ClinVar:

ClinVar aggregate classification (germline): Uncertain significance. Review status: criteria provided, multiple submitters, no conflicts (2 of 4 stars). 2 submissions from 2 submitters: Uncertain significance (2). Last evaluated 2024-02-16.

Conditions:
Gamma-aminobutyric acid transaminase deficiency (GABATD). Also called: GABA transaminase deficiency; Gamma aminobutyrate transaminase deficiency; 4 alpha aminobutyrate transaminase deficiency; GABA aminotransaminase deficiency. Identifiers: Orphanet 2066, MedGen C0342708, MONDO:0013166, OMIM 613163.

Allele frequency attached by ClinVar (database versions not stated): gnomAD exomes 0.00001 and 0.00003; gnomAD 0.00002; ExAC 0.00003.
gnomAD v4.1: 11 of 1,613,996 alleles (0.00068%); highest among the groups gnomAD compares: East Asian, 0.025%; no homozygotes.

Submissions (2):

Labcorp Genetics (formerly Invitae), Labcorp
Classification: Uncertain significance for Gamma-aminobutyric acid transaminase deficiency. Last evaluated: 2024-02-16. Review status: criteria provided, single submitter. Criteria: Invitae Variant Classification Sherloc (09022015). Collection method: clinical testing. Allele origin: germline.
Comment: This sequence change replaces alanine, which is neutral and non-polar, with threonine, which is neutral and polar, at codon 162 of the ABAT protein (p.Ala162Thr). This variant is present in population databases (rs750911984, gnomAD 0.06%). This variant has not been reported in the literature in individuals affected with ABAT-related conditions. ClinVar contains an entry for this variant (Variation ID: 282966). Advanced modeling of protein sequence and biophysical properties (such as structural, functional, and spatial information, amino acid conservation, physicochemical variation, residue mobility, and thermodynamic stability) performed at Invitae indicates that this missense variant is not expected to disrupt ABAT protein function with a negative predictive value of 80%. In summary, the available evidence is currently insufficient to determine the role of this variant in disease. Therefore, it has been classified as a Variant of Uncertain Significance.

Eurofins Ntd Llc (ga)
Classification: Uncertain significance. Last evaluated: 2015-09-16. Review status: criteria provided, single submitter. Criteria: EGL Classification Definitions 2015. Collection method: clinical testing. Allele origin: germline. Observed: 2 variant alleles, 2 heterozygotes.

NM_020686.6(ABAT):c.484G>A (p.Ala162Thr)

Gene: ABAT (4-aminobutyrate aminotransferase; plus strand). Cytogenetic location: 16p13.2.
Variant type: single nucleotide variant.
Coding change: c.484G>A on transcript NM_020686.6 (MANE Select); coding-DNA position 484, G replaced by A.
Protein change: p.Ala162Thr; replaces alanine 162 with threonine.
Molecular consequence: missense variant. On other transcripts: intron variant (1).
Genome position (GRCh38, 1-based): chr16:8,764,774, G>A. VCF-style: chr16-8764774-G-A. GRCh37 (hg19) VCF-style: chr16-8858631-G-A.
Other names: c.484G>A, p.Ala162Thr (NM_000663.5, NM_001127448.2, NM_001386600.1 and 9 more transcripts); c.349G>A, p.Ala117Thr (NM_001386610.1, NM_001386611.1, NM_001386612.1 and 1 more transcripts); c.238G>A, p.Ala80Thr (NM_001386614.1); c.580G>A, p.Ala194Thr (NM_001386615.1); c.447+625G>A (NM_001386608.1); short protein forms A162T, A117T, A194T, A80T.
Identifiers: ClinVar variation 282966 (VCV000282966.9), dbSNP rs750911984, ClinGen allele CA7893148.
Genomic context (GRCh38, chr16:8,764,774, plus strand): 5'-TCACGGCTATTTCCCTCCCCACAGGTGGCTCCCAAAGGGATGTCCCAGCTCATCACCATG[G>A]CCTGCGGCTCCTGCTCCAATGAAAACGCCTTAAAGACCATCTTCATGTGGTACCGGGTGA-3'
Protein context (NP_065737.2, residues 152-172): PKGMSQLITM[Ala162Thr]CGSCSNENAL